The following is an entry in ClinVar:

NM_005733.3(KIF20A):c.1372C>G (p.Pro458Ala)

Gene: KIF20A (kinesin family member 20A; plus strand). Cytogenetic location: 5q31.2.
Variant type: single nucleotide variant.
Coding change: c.1372C>G on transcript NM_005733.3 (MANE Select); coding-DNA position 1372, C replaced by G.
Protein change: p.Pro458Ala; replaces proline 458 with alanine.
Molecular consequence: missense variant.
Genome position (GRCh38, 1-based): chr5:138,184,258, C>G. VCF-style: chr5-138184258-C-G. GRCh37 (hg19) VCF-style: chr5-137519947-C-G.
Other names: short protein forms P458A.
Identifiers: ClinVar variation 3005061 (VCV003005061.3), dbSNP rs774485394, ClinGen allele CA3426595.
Genomic context (GRCh38, chr5:138,184,258, plus strand): 5'-GTGTTCTGCTCACAGCTCTATTATCTCTGATTCTCTGCCAGGTCAAAGCAGAACCTGGTT[C>G]CCTTCCGTGACAGCAAGTTGACTCGAGTGTTCCAAGGTTTCTTCACAGGCCGAGGCCGTT-3'
Protein context (NP_005724.1, residues 448-468): QQNRSKQNLV[Pro458Ala]FRDSKLTRVF

ClinVar aggregate classification (germline): Uncertain significance (1 of 4 stars; one submission).

Allele frequency attached by ClinVar (database versions not stated): gnomAD exomes below 0.00001; ExAC 0.00001.
gnomAD v4.1: 1 of 1,614,144 alleles (0.000062%); highest among the groups gnomAD compares: Admixed American, 0.0017%; no homozygotes.

Submission:

Labcorp Genetics (formerly Invitae), Labcorp
Classification: Uncertain significance. Last evaluated: 2025-11-13. Review status: criteria provided, single submitter. Criteria: Invitae Variant Classification Sherloc (09022015). Collection method: clinical testing. Allele origin: germline.
Comment: This sequence change replaces proline, which is neutral and non-polar, with alanine, which is neutral and non-polar, at codon 458 of the KIF20A protein (p.Pro458Ala). This variant is present in population databases (rs774485394, gnomAD 0.003%). This variant has not been reported in the literature in individuals affected with KIF20A-related conditions. ClinVar contains an entry for this variant (Variation ID: 3005061). An algorithm developed to predict the effect of missense changes on protein structure and function (PolyPhen-2) suggests that this variant is likely to be disruptive. In summary, the available evidence is currently insufficient to determine the role of this variant in disease. Therefore, it has been classified as a Variant of Uncertain Significance.